The following is an entry in ClinVar:

ClinVar aggregate classification (germline): Uncertain significance (1 of 4 stars; one submission).

Conditions:
Myoclonic dystonia 11 (DYT11). Also called: Myoclonic dystonia; Dystonia 11; Dystonia, alcohol responsive; Hereditary essential myoclonus; SGCE Myoclonus-Dystonia; Myoclonus-Dystonia. Identifiers: Orphanet 36899, MedGen C1834570, MONDO:0008044, OMIM 159900.

Submission:

Labcorp Genetics (formerly Invitae), Labcorp
Classification: Uncertain significance for Myoclonic dystonia 11. Last evaluated: 2021-07-14. Review status: criteria provided, single submitter. Criteria: Invitae Variant Classification Sherloc (09022015). Collection method: clinical testing. Allele origin: germline.
Comment: This variant is not present in population databases (ExAC no frequency). This sequence change affects codon 209 of the SGCE mRNA. It is a 'silent' change, meaning that it does not change the encoded amino acid sequence of the SGCE protein. This variant has not been reported in the literature in individuals with SGCE-related conditions. Algorithms developed to predict the effect of sequence changes on RNA splicing suggest that this variant may create or strengthen a splice site, but this prediction has not been confirmed by published transcriptional studies. In summary, the available evidence is currently insufficient to determine the role of this variant in disease. Therefore, it has been classified as a Variant of Uncertain Significance.

NM_003919.3(SGCE):c.627C>T (p.Gly209=)

Genes: CASD1 (CAS1 domain sialic acid O acetyltransferase 1; plus strand), SGCE (sarcoglycan epsilon; minus strand). Cytogenetic location: 7q21.3.
Variant type: single nucleotide variant.
Coding change: c.627C>T on transcript NM_003919.3 (MANE Select); coding-DNA position 627, C replaced by T.
Protein change: p.Gly209=; no amino-acid change (glycine 209 retained).
Molecular consequence: synonymous variant.
Genome position (GRCh38, 1-based): chr7:94,618,793, G>A on the plus strand (C>T on the coding strand, the complement: SGCE is on the minus strand). VCF-style: chr7-94618793-G-A. GRCh37 (hg19) VCF-style: chr7-94248105-G-A.
Other names: c.627C>T, p.Gly209= (NM_001099400.2, NM_001099401.2, NM_001346717.2); c.504C>T, p.Gly168= (NM_001301139.2, NM_001362809.2); c.735C>T, p.Gly245= (NM_001346713.2, NM_001346715.2); c.540C>T, p.Gly180= (NM_001346719.2, NM_001362807.2); c.354C>T, p.Gly118= (NM_001346720.2, NM_001362808.2).
Identifiers: ClinVar variation 1364432 (VCV001364432.8), dbSNP rs1395758109, ClinGen allele CA456493945.